The following is an entry in ClinVar:

ClinVar aggregate classification (germline): Pathogenic (1 of 4 stars; one submission).

Conditions:
Cohen syndrome (COH1). Also called: Cutis verticis gyrata, retinitis pigmentosa, and sensorineural deafness; PEPPER SYNDROME. Identifiers: Orphanet 193, MedGen C0265223, MONDO:0008999, OMIM 216550.

Allele frequency attached by ClinVar (database versions not stated): gnomAD exomes below 0.00001.
gnomAD v4.1: 1 of 1,613,660 alleles (0.000062%); highest among the groups gnomAD compares: Non-Finnish European, 0.000085%; no homozygotes.

Submission:

Labcorp Genetics (formerly Invitae), Labcorp
Classification: Pathogenic for Cohen syndrome. Last evaluated: 2022-08-16. Review status: criteria provided, single submitter. Criteria: Invitae Variant Classification Sherloc (09022015). Collection method: clinical testing. Allele origin: germline.
Comment: This sequence change affects an acceptor splice site in intron 54 of the VPS13B gene. It is expected to disrupt RNA splicing. Variants that disrupt the donor or acceptor splice site typically lead to a loss of protein function (PMID: 16199547), and loss-of-function variants in VPS13B are known to be pathogenic (PMID: 15141358, 16648375, 20461111). This variant is not present in population databases (gnomAD no frequency). Disruption of this splice site has been observed in individual(s) with clinical features of Cohen syndrome (Invitae). ClinVar contains an entry for this variant (Variation ID: 964942). Algorithms developed to predict the effect of sequence changes on RNA splicing suggest that this variant may disrupt the consensus splice site. For these reasons, this variant has been classified as Pathogenic.

Literature cited by the submitters: PubMed 16199547; PubMed 15141358; PubMed 16648375; PubMed 20461111.

NM_152564.5(VPS13B):c.9943-2A>G

Gene: VPS13B (vacuolar protein sorting 13 homolog B; plus strand). Cytogenetic location: 8q22.2.
Variant type: single nucleotide variant.
Coding change: c.9943-2A>G on transcript NM_152564.5 (MANE Select); the canonical splice acceptor site of the intron before coding-DNA position 9943, A replaced by G.
Molecular consequence: splice acceptor variant.
Genome position (GRCh38, 1-based): chr8:99,848,774, A>G. VCF-style: chr8-99848774-A-G. GRCh37 (hg19) VCF-style: chr8-100861002-A-G.
Other names: c.10018-2A>G (NM_017890.5).
Identifiers: ClinVar variation 964942 (VCV000964942.8), dbSNP rs1816111137, ClinGen allele CA371779457.
Genomic context (GRCh38, chr8:99,848,774, plus strand): 5'-CAAGCCACTTCAATAGTGTTTCTTATTTCTTTTTAATCAGATTTTGAATATTCTTTCTGC[A>G]GGTTGTGTTCCTGACTGGCTTTGGCTATGTGTATGTGGATGTTGTACATCAGTGTGGCAC-3'